The following is an entry in ClinVar:

ClinVar aggregate classification (germline): Uncertain significance (1 of 4 stars; one submission).

gnomAD v4.1: 2 of 1,613,882 alleles (0.00012%); highest among the groups gnomAD compares: Non-Finnish European, 0.00017%; no homozygotes.

Submission:

GeneDx
Classification: Uncertain significance. Last evaluated: 2024-12-03. Review status: criteria provided, single submitter. Criteria: GeneDx Variant Classification Process June 2021. Collection method: clinical testing. Allele origin: germline. Affected: yes.
Comment: Not observed at significant frequency in large population cohorts (gnomAD); Missense variant in a gene in which most reported pathogenic variants are truncating/loss of function; Has not been previously published as pathogenic or benign to our knowledge

NM_001267550.2(TTN):c.87976C>T (p.Pro29326Ser)

Genes: TTN (titin; minus strand), TTN-AS1 (TTN antisense RNA 1; plus strand). Cytogenetic location: 2q31.2.
Variant type: single nucleotide variant.
Coding change: c.87976C>T on transcript NM_001267550.2 (MANE Select); coding-DNA position 87976, C replaced by T.
Protein change: p.Pro29326Ser; replaces proline 29326 with serine.
Molecular consequence: missense variant.
Genome position (GRCh38, 1-based): chr2:178,557,286, G>A on the plus strand (C>T on the coding strand, the complement: TTN is on the minus strand). VCF-style: chr2-178557286-G-A. GRCh37 (hg19) VCF-style: chr2-179422013-G-A.
Other names: c.83053C>T, p.Pro27685Ser (NM_001256850.1); c.60781C>T, p.Pro20261Ser (NM_003319.4); c.80272C>T, p.Pro26758Ser (NM_133378.4); c.61156C>T, p.Pro20386Ser (NM_133432.3); c.61357C>T, p.Pro20453Ser (NM_133437.4); short protein forms P20261S, P20386S, P20453S, P26758S, P27685S, P29326S.
Identifiers: ClinVar variation 3901664 (VCV003901664.1).
Genomic context (GRCh38, chr2:178,557,286, plus strand): 5'-ACTGCCCTTCCCATGACAAATACGTACCACAAGCATCAATTGCCAAGACTGGTTCAGAAG[G>A]ATGGCTAGGTTTTCCAACTCCAGCAGCATTTTCTGCATACACCCTGAATTCATAAATAAG-3'
Protein context (NP_001254479.2, residues 29316-29336): NAAGVGKPSH[Pro29326Ser]SEPVLAIDAC